The following is an entry in ClinVar:

ClinVar aggregate classification (germline): Uncertain significance (1 of 4 stars; one submission).

Submission:

GeneDx
Classification: Uncertain significance. Last evaluated: 2026-03-10. Review status: criteria provided, single submitter. Criteria: GeneDx Variant Classification Process June 2021. Collection method: clinical testing. Allele origin: germline.
Comment: Not observed at significant frequency in large population cohorts (gnomAD); In silico analysis suggests that this missense variant does not alter protein structure/function; Has not been previously published as pathogenic or benign to our knowledge

NM_000368.5(TSC1):c.3367A>G (p.Lys1123Glu)

Gene: TSC1 (TSC complex subunit 1; minus strand). Cytogenetic location: 9q34.13.
Variant type: single nucleotide variant.
Coding change: c.3367A>G on transcript NM_000368.5 (MANE Select); coding-DNA position 3367, A replaced by G.
Protein change: p.Lys1123Glu; replaces lysine 1123 with glutamic acid.
Molecular consequence: missense variant. On other transcripts: non-coding transcript variant (5).
Genome position (GRCh38, 1-based): chr9:132,896,363, T>C on the plus strand (A>G on the coding strand, the complement: TSC1 is on the minus strand). VCF-style: chr9-132896363-T-C. GRCh37 (hg19) VCF-style: chr9-135771750-T-C.
Other names: c.3364A>G, p.Lys1122Glu (NM_001162426.2, NM_001406597.1, NM_001406598.1 and 2 more transcripts); c.3214A>G, p.Lys1072Glu (NM_001162427.2, NM_001406610.1); c.3004A>G, p.Lys1002Glu (NM_001362177.2, NM_001406614.1, NM_001406615.1 and 4 more transcripts); c.3367A>G, p.Lys1123Glu (NM_001406592.1, NM_001406593.1, NM_001406594.1 and 2 more transcripts); c.3352A>G, p.Lys1118Glu (NM_001406601.1, NM_001406602.1); c.3349A>G, p.Lys1117Glu (NM_001406603.1, NM_001406604.1); c.3325A>G, p.Lys1109Glu (NM_001406605.1, NM_001406606.1, NM_001406607.1); c.3322A>G, p.Lys1108Glu (NM_001406608.1, NM_001406609.1); and 8 more; short protein forms K1123E, K1002E, K1071E, K1072E, K1117E, K806E, K1001E, K1057E.
Identifiers: ClinVar variation 5008914 (VCV005008914.1).